The following is an entry in ClinVar:

NM_001374385.1(ATP8B1):c.3108C>T (p.Ser1036=)

Genes: ATP8B1 (ATPase phospholipid transporting 8B1; minus strand), ATP8B1-AS1 (ATP8B1 antisense RNA 1; plus strand). Cytogenetic location: 18q21.31.
Variant type: single nucleotide variant.
Coding change: c.3108C>T on transcript NM_001374385.1 (MANE Select); coding-DNA position 3108, C replaced by T.
Protein change: p.Ser1036=; no amino-acid change (serine 1036 retained).
Molecular consequence: synonymous variant.
Genome position (GRCh38, 1-based): chr18:57,652,637, G>A on the plus strand (C>T on the coding strand, the complement: ATP8B1 is on the minus strand). VCF-style: chr18-57652637-G-A. GRCh37 (hg19) VCF-style: chr18-55319869-G-A.
Other names: c.2958C>T, p.Ser986= (NM_001374386.1); c.3108C>T, p.Ser1036= (NM_005603.6); c.3108C>T (NM_005603.4).
Identifiers: ClinVar variation 2722655 (VCV002722655.6), dbSNP rs373707622, ClinGen allele CA8974079.

ClinVar aggregate classification (germline): Likely benign. Review status: criteria provided, multiple submitters, no conflicts (2 of 4 stars). 2 submissions from 2 submitters: Likely benign (2). Last evaluated 2025-11-06.

Conditions:
ATP8B1-related disorder. Also called: ATP8B1-related disorders; ATP8B1-related condition.

Allele frequency attached by ClinVar (database versions not stated): gnomAD 0.00004; TOPMed 0.00006; ExAC 0.00007; gnomAD exomes 0.00007; ESP Exome Variant Server 0.00008.
gnomAD v4.1: 106 of 1,614,054 alleles (0.0066%); highest among the groups gnomAD compares: Middle Eastern, 0.082%; no homozygotes.

Submissions (2):

Labcorp Genetics (formerly Invitae), Labcorp
Classification: Likely benign. Last evaluated: 2025-11-06. Review status: criteria provided, single submitter. Criteria: Invitae Variant Classification Sherloc (09022015). Collection method: clinical testing. Allele origin: germline.

PreventionGenetics, part of Exact Sciences
Classification: Likely benign for ATP8B1-related condition. Last evaluated: 2025-03-26. Review status: criteria provided, single submitter. Criteria: ACMG Guidelines, 2015. Collection method: clinical testing. Allele origin: germline.
Comment: This variant is classified as likely benign based on ACMG/AMP sequence variant interpretation guidelines (Richards et al. 2015 PMID: 25741868, with internal and published modifications).